The following is an entry in ClinVar:

NM_199420.4(POLQ):c.2369A>G (p.Gln790Arg)

Gene: POLQ (DNA polymerase theta; minus strand). Cytogenetic location: 3q13.33.
Variant type: single nucleotide variant.
Coding change: c.2369A>G on transcript NM_199420.4 (MANE Select); coding-DNA position 2369, A replaced by G.
Protein change: p.Gln790Arg; replaces glutamine 790 with arginine.
Molecular consequence: missense variant.
Genome position (GRCh38, 1-based): chr3:121,493,631, T>C on the plus strand (A>G on the coding strand, the complement: POLQ is on the minus strand). VCF-style: chr3-121493631-T-C. GRCh37 (hg19) VCF-style: chr3-121212478-T-C.
Other names: short protein forms Q790R.
Identifiers: ClinVar variation 1790252 (VCV001790252.2), dbSNP rs2546790786, ClinGen allele CA354108041.

ClinVar aggregate classification (germline): Uncertain significance (1 of 4 stars; one submission).

Submission:

Ambry Genetics
Classification: Uncertain significance. Last evaluated: 2022-05-17. Review status: criteria provided, single submitter. Criteria: Ambry Variant Classification Scheme 2023. Collection method: clinical testing. Allele origin: germline.
Comment: The p.Q790R variant (also known as c.2369A>G), located in coding exon 15 of the POLQ gene, results from an A to G substitution at nucleotide position 2369. The glutamine at codon 790 is replaced by arginine, an amino acid with highly similar properties. This amino acid position is conserved. In addition, this alteration is predicted to be tolerated by in silico analysis. Since supporting evidence is limited at this time, the clinical significance of this alteration remains unclear.